The following is an entry in ClinVar:

NM_018671.5(UNC45A):c.2223G>C (p.Leu741Phe)

Gene: UNC45A (unc-45 myosin chaperone A; plus strand). Cytogenetic location: 15q26.1.
Variant type: single nucleotide variant.
Coding change: c.2223G>C on transcript NM_018671.5 (MANE Select); coding-DNA position 2223, G replaced by C.
Protein change: p.Leu741Phe; replaces leucine 741 with phenylalanine.
Molecular consequence: missense variant.
Genome position (GRCh38, 1-based): chr15:90,950,535, G>C. VCF-style: chr15-90950535-G-C. GRCh37 (hg19) VCF-style: chr15-91493765-G-C.
Other names: c.2178G>C, p.Leu726Phe (NM_001039675.2, NM_001323621.2); c.2223G>C, p.Leu741Phe (NM_001323619.1); c.1788G>C, p.Leu596Phe (NM_001323620.2); short protein forms L726F, L741F, L596F.
Identifiers: ClinVar variation 1357014 (VCV001357014.3), dbSNP rs2151375232, ClinGen allele CA393860906.

ClinVar aggregate classification (germline): Uncertain significance (1 of 4 stars; one submission).

Submission:

Labcorp Genetics (formerly Invitae), Labcorp
Classification: Uncertain significance. Last evaluated: 2021-11-09. Review status: criteria provided, single submitter. Criteria: Invitae Variant Classification Sherloc (09022015). Collection method: clinical testing. Allele origin: germline.
Comment: This sequence change replaces leucine, which is neutral and non-polar, with phenylalanine, which is neutral and non-polar, at codon 741 of the UNC45A protein (p.Leu741Phe). This variant is not present in population databases (gnomAD no frequency). This variant has not been reported in the literature in individuals affected with UNC45A-related conditions. Algorithms developed to predict the effect of missense changes on protein structure and function are either unavailable or do not agree on the potential impact of this missense change (SIFT: "Not Available"; PolyPhen-2: "Probably Damaging"; Align-GVGD: "Not Available"). In summary, the available evidence is currently insufficient to determine the role of this variant in disease. Therefore, it has been classified as a Variant of Uncertain Significance.